The following is an entry in ClinVar:

NM_001080517.3(SETD5):c.3281G>A (p.Ser1094Asn)

Gene: SETD5 (SET domain containing 5; plus strand). Cytogenetic location: 3p25.3.
Variant type: single nucleotide variant.
Coding change: c.3281G>A on transcript NM_001080517.3 (MANE Select); coding-DNA position 3281, G replaced by A.
Protein change: p.Ser1094Asn; replaces serine 1094 with asparagine.
Molecular consequence: missense variant.
Genome position (GRCh38, 1-based): chr3:9,473,321, G>A. VCF-style: chr3-9473321-G-A. GRCh37 (hg19) VCF-style: chr3-9515005-G-A.
Other names: c.2987G>A, p.Ser996Asn (NM_001292043.2, NM_001349451.2); short protein forms S1094N, S996N.
Identifiers: ClinVar variation 2765130 (VCV002765130.3), dbSNP rs769766407, ClinGen allele CA2239654.

ClinVar aggregate classification (germline): Uncertain significance (1 of 4 stars; one submission).

Allele frequency attached by ClinVar (database versions not stated): ExAC 0.00001.
gnomAD v4.1: 2 of 1,613,998 alleles (0.00012%); highest among the groups gnomAD compares: Admixed American, 0.0033%; no homozygotes.

Submission:

Labcorp Genetics (formerly Invitae), Labcorp
Classification: Uncertain significance. Last evaluated: 2023-11-01. Review status: criteria provided, single submitter. Criteria: Invitae Variant Classification Sherloc (09022015). Collection method: clinical testing. Allele origin: germline.
Comment: This sequence change replaces serine, which is neutral and polar, with asparagine, which is neutral and polar, at codon 1094 of the SETD5 protein (p.Ser1094Asn). This variant is present in population databases (rs769766407, gnomAD 0.006%). This variant has not been reported in the literature in individuals affected with SETD5-related conditions. Advanced modeling of protein sequence and biophysical properties (such as structural, functional, and spatial information, amino acid conservation, physicochemical variation, residue mobility, and thermodynamic stability) performed at Invitae indicates that this missense variant is not expected to disrupt SETD5 protein function with a negative predictive value of 80%. In summary, the available evidence is currently insufficient to determine the role of this variant in disease. Therefore, it has been classified as a Variant of Uncertain Significance.